The following is an entry in ClinVar:

NM_001081.4(CUBN):c.7013del (p.Gly2338fs)

Gene: CUBN (cubilin; minus strand). Cytogenetic location: 10p13.
Variant type: Deletion.
Coding change: c.7013del on transcript NM_001081.4 (MANE Select); coding-DNA position 7013, one base deleted (G; older notation c.7013delG).
Protein change: p.Gly2338fs; shifts the reading frame from glycine 2338.
Molecular consequence: frameshift variant.
Genome position (GRCh38, 1-based): chr10:16,916,018, C deleted on the plus strand (G on the coding strand, the reverse complement: CUBN is on the minus strand); the first of 5 consecutive C bases (chr10:16,916,018-16,916,022); deleting any one gives the same sequence. VCF-style (leftmost placement, unchanged base first): chr10-16916017-TC-T. GRCh37 (hg19) VCF-style: chr10-16958016-TC-T.
Other names: short protein forms G2338fs.
Identifiers: ClinVar variation 1072126 (VCV001072126.7), dbSNP rs1588646655, ClinGen allele CA918613141.
Genomic context (GRCh38, chr10:16,916,017, plus strand): 5'-TCTGTATGGAAGTGTTGGATGTCCAATGCTTTCAACAACACCACTTTGCCCTGGTACTCT[TC>T]CCCCACACTGAGCTGCAAAAAATAAAAATAAATAAATAAATAAGAAAGCAAGCAAGCAAG-3'

ClinVar aggregate classification (germline): Pathogenic (1 of 4 stars; one submission).

Conditions:
Imerslund-Grasbeck syndrome. Also called: ENTEROCYTE COBALAMIN MALABSORPTION; ENTEROCYTE INTRINSIC FACTOR RECEPTOR, DEFECT OF; PERNICIOUS ANEMIA, JUVENILE, DUE TO SELECTIVE INTESTINAL MALABSORPTION OF VITAMIN B12, WITH PROTEINURIA; Imerslund-Gräsbeck syndrome; Megaloblastic anemia due to inborn errors of metabolism. Identifiers: Orphanet 35858, MedGen C4551825, MONDO:0009853.

Submission:

Labcorp Genetics (formerly Invitae), Labcorp
Classification: Pathogenic for Imerslund-Grasbeck syndrome. Last evaluated: 2022-07-27. Review status: criteria provided, single submitter. Criteria: Invitae Variant Classification Sherloc (09022015). Collection method: clinical testing. Allele origin: germline.
Comment: This sequence change creates a premature translational stop signal (p.Gly2338Glufs*82) in the CUBN gene. It is expected to result in an absent or disrupted protein product. Loss-of-function variants in CUBN are known to be pathogenic (PMID: 15024727, 22929189, 25349199, 34979989). This variant is not present in population databases (gnomAD no frequency). This variant has not been reported in the literature in individuals affected with CUBN-related conditions. ClinVar contains an entry for this variant (Variation ID: 1072126). For these reasons, this variant has been classified as Pathogenic.

Literature cited by the submitters: PubMed 15024727; PubMed 22929189; PubMed 25349199; PubMed 34979989.